The following is an entry in ClinVar:

ClinVar aggregate classification (germline): Uncertain significance (1 of 4 stars; one submission).

Conditions:
Developmental and epileptic encephalopathy, 36 (DEE36). Also called: Congenital disorder of glycosylation, type Is; ALG13-CDG; Epileptic encephalopathy, early infantile, 36. Identifiers: Orphanet 324422, MedGen C4317295, MONDO:0010472, OMIM 300884.

Allele frequency attached by ClinVar (database versions not stated): gnomAD exomes below 0.00001; TOPMed 0.00001.
gnomAD v4.1: 1 of 1,212,138 alleles (0.000082%); highest among the groups gnomAD compares: Non-Finnish European, 0.00011%; no homozygotes.

Submission:

Labcorp Genetics (formerly Invitae), Labcorp
Classification: Uncertain significance for Developmental and epileptic encephalopathy, 36. Last evaluated: 2024-04-10. Review status: criteria provided, single submitter. Criteria: Invitae Variant Classification Sherloc (09022015). Collection method: clinical testing. Allele origin: germline.
Comment: This sequence change replaces serine, which is neutral and polar, with leucine, which is neutral and non-polar, at codon 21 of the ALG13 protein (p.Ser21Leu). This variant is not present in population databases (gnomAD no frequency). This variant has not been reported in the literature in individuals affected with ALG13-related conditions. ClinVar contains an entry for this variant (Variation ID: 1003331). Algorithms developed to predict the effect of missense changes on protein structure and function output the following: SIFT: "Not Available"; PolyPhen-2: "Benign"; Align-GVGD: "Not Available". The leucine amino acid residue is found in multiple mammalian species, which suggests that this missense change does not adversely affect protein function. In summary, the available evidence is currently insufficient to determine the role of this variant in disease. Therefore, it has been classified as a Variant of Uncertain Significance.

NM_001099922.3(ALG13):c.62C>T (p.Ser21Leu)

Gene: ALG13 (ALG13 UDP-N-acetylglucosaminyltransferase subunit; plus strand). Cytogenetic location: Xq23.
Variant type: single nucleotide variant.
Coding change: c.62C>T on transcript NM_001099922.3 (MANE Select); coding-DNA position 62, C replaced by T.
Protein change: p.Ser21Leu; replaces serine 21 with leucine.
Molecular consequence: missense variant. On other transcripts: 5 prime UTR variant (9), non-coding transcript variant (3).
Genome position (GRCh38, 1-based): chrX:111,681,280, C>T. VCF-style: chrX-111681280-C-T. GRCh37 (hg19) VCF-style: chrX-110924508-C-T.
Other names: c.62C>T, p.Ser21Leu (NM_001039210.5, NM_001168385.3, NM_001324290.2 and 2 more transcripts); c.-147C>T (NM_001257230.2, NM_001324291.2); c.-239C>T (NM_001257231.2, NM_001257241.3); c.-272C>T (NM_001257234.2, NM_001257235.3); c.-376C>T (NM_001257237.2, NM_001257240.3, NM_001324293.1); short protein forms S21L.
Identifiers: ClinVar variation 1003331 (VCV001003331.10), dbSNP rs1602457991, ClinGen allele CA414248071.